The following is an entry in ClinVar:

NM_024685.4(BBS10):c.406T>C (p.Phe136Leu)

Gene: BBS10 (Bardet-Biedl syndrome 10; minus strand). Cytogenetic location: 12q21.2.
Variant type: single nucleotide variant.
Coding change: c.406T>C on transcript NM_024685.4 (MANE Select); coding-DNA position 406, T replaced by C.
Protein change: p.Phe136Leu; replaces phenylalanine 136 with leucine.
Molecular consequence: missense variant.
Genome position (GRCh38, 1-based): chr12:76,347,579, A>G on the plus strand (T>C on the coding strand, the complement: BBS10 is on the minus strand). VCF-style: chr12-76347579-A-G. GRCh37 (hg19) VCF-style: chr12-76741359-A-G.
Other names: short protein forms F136L.
Identifiers: ClinVar variation 971085 (VCV000971085.3), dbSNP rs769181256, ClinGen allele CA6694354.
Genomic context (GRCh38, chr12:76,347,579, plus strand): 5'-TAGACAAAAAGTGTCTACTTAGGTACTGGTCCATAATACCGTCTAATATTTGTGTCTGAA[A>G]CGTTAGGAGAGCCTGGGAAATAAATTTCCACCGAGAACAATTTTTCCAATGCCTTCCATG-3'
Protein context (NP_078961.3, residues 126-146): WKFISQALLT[Phe136Leu]QTQILDGIMD

ClinVar aggregate classification (germline): Uncertain significance (1 of 4 stars; one submission).

Conditions:
Bardet-Biedl syndrome (BBS). Identifiers: Orphanet 110, MedGen C0752166, MONDO:0015229.

Allele frequency attached by ClinVar (database versions not stated): gnomAD exomes below 0.00001 and 0.00001; ExAC 0.00001.
gnomAD v4.1: 3 of 1,613,844 alleles (0.00019%); highest among the groups gnomAD compares: Admixed American, 0.0033%; no homozygotes.

Submission:

Labcorp Genetics (formerly Invitae), Labcorp
Classification: Uncertain significance for Bardet-Biedl syndrome. Last evaluated: 2021-08-20. Review status: criteria provided, single submitter. Criteria: Invitae Variant Classification Sherloc (09022015). Collection method: clinical testing. Allele origin: germline.
Comment: This sequence change replaces phenylalanine with leucine at codon 136 of the BBS10 protein (p.Phe136Leu). The phenylalanine residue is highly conserved and there is a small physicochemical difference between phenylalanine and leucine. This variant is present in population databases (rs769181256, ExAC 0.002%). This variant has not been reported in the literature in individuals affected with BBS10-related conditions. Algorithms developed to predict the effect of missense changes on protein structure and function are either unavailable or do not agree on the potential impact of this missense change (SIFT: "Deleterious"; PolyPhen-2: "Possibly Damaging"; Align-GVGD: "Class C0"). In summary, the available evidence is currently insufficient to determine the role of this variant in disease. Therefore, it has been classified as a Variant of Uncertain Significance.